The following is an entry in ClinVar:

NM_001003694.2(BRPF1):c.470G>A (p.Arg157His)

Gene: BRPF1 (bromodomain and PHD finger containing 1; plus strand). Cytogenetic location: 3p25.3.
Variant type: single nucleotide variant.
Coding change: c.470G>A on transcript NM_001003694.2 (MANE Select); coding-DNA position 470, G replaced by A.
Protein change: p.Arg157His; replaces arginine 157 with histidine.
Molecular consequence: missense variant. On other transcripts: non-coding transcript variant (1).
Genome position (GRCh38, 1-based): chr3:9,734,610, G>A. VCF-style: chr3-9734610-G-A. GRCh37 (hg19) VCF-style: chr3-9776294-G-A.
Other names: c.470G>A, p.Arg157His (NM_001319049.2, NM_001319050.2, NM_001410704.1 and 1 more transcripts); short protein forms R157H.
Identifiers: ClinVar variation 3901996 (VCV003901996.3).
Genomic context (GRCh38, chr3:9,734,610, plus strand): 5'-AGAACACTGAGACACCAGCTGCTACTCCCAAGTCAGGCAAACATAAGAACAAGGAGAAGC[G>A]CAAGGACTCCAACCATCACCACCACCACAATGTTTCTGCGAGCACCACTCCCAAGCTGCC-3'
Protein context (NP_001003694.1, residues 147-167): KSGKHKNKEK[Arg157His]KDSNHHHHHN

ClinVar aggregate classification (germline): Uncertain significance. Review status: criteria provided, multiple submitters, no conflicts (2 of 4 stars). 2 submissions from 2 submitters: Uncertain significance (2). Last evaluated 2026-01-21.

Conditions:
Intellectual developmental disorder with dysmorphic facies and ptosis (IDDDFP). Identifiers: Orphanet 698090, MedGen C4310617, MONDO:0015022, OMIM 617333.

Submissions (2):

Dasa
Classification: Uncertain significance. Last evaluated: 2026-01-21. Review status: criteria provided, single submitter. Criteria: DASA Assertion Criteria. Collection method: clinical testing. Allele origin: germline.
Comment: NM_001003694.2(BRPF1):c.470G>A (p.Arg157His) is a missense variant that results in the substitution of arginine with histidine. This variant is rare in population databases. Computational prediction algorithms are consistent with a benign effect. The currently available literature and clinical evidence are not sufficient to establish a definitive association between this variant and the reported condition. Therefore, this variant is classified as a variant of uncertain significance.

Laboratorio de Genetica e Diagnostico Molecular, Hospital Israelita Albert Einstein
Classification: Uncertain significance for Intellectual developmental disorder with dysmorphic facies and ptosis. Last evaluated: 2023-02-03. Review status: criteria provided, single submitter. Criteria: ACMG Guidelines, 2015. Collection method: clinical testing. Allele origin: germline. Affected: yes.
Comment: ACMG classification criteria: PM2 supporting, PP2 supporting, BP4 supporting